The following is an entry in ClinVar:

NM_013450.4(BAZ2B):c.1125A>G (p.Ile375Met)

Genes: BAZ2B (bromodomain adjacent to zinc finger domain 2B; minus strand), LOC126806391 (MED14-independent group 3 enhancer GRCh37_chr2:160294250-160295449; plus strand). Cytogenetic location: 2q24.2.
Variant type: single nucleotide variant.
Coding change: c.1125A>G on transcript NM_013450.4 (MANE Select); coding-DNA position 1125, A replaced by G.
Protein change: p.Ile375Met; replaces isoleucine 375 with methionine.
Molecular consequence: missense variant.
Genome position (GRCh38, 1-based): chr2:159,438,471, T>C on the plus strand (A>G on the coding strand, the complement: BAZ2B is on the minus strand). VCF-style: chr2-159438471-T-C. GRCh37 (hg19) VCF-style: chr2-160294982-T-C.
Other names: c.1119A>G, p.Ile373Met (NM_001289975.1); c.936A>G, p.Ile312Met (NM_001329857.2); c.1125A>G, p.Ile375Met (NM_001329858.2); short protein forms I312M, I373M, I375M.
Identifiers: ClinVar variation 3383562 (VCV003383562.2).

ClinVar aggregate classification (germline): Uncertain significance (1 of 4 stars; one submission).

Submission:

GeneDx
Classification: Uncertain significance. Last evaluated: 2025-05-22. Review status: criteria provided, single submitter. Criteria: GeneDx Variant Classification Process June 2021. Collection method: clinical testing. Allele origin: germline. Affected: yes.
Comment: Not observed at significant frequency in large population cohorts (gnomAD); In silico analysis indicates that this missense variant does not alter protein structure/function; Has not been previously published as pathogenic or benign to our knowledge